The following is an entry in ClinVar:

ClinVar aggregate classification (germline): Uncertain significance (1 of 4 stars; one submission).

Conditions:
BDNF-related disorder. Also called: BDNF-related condition.

Submission:

PreventionGenetics, part of Exact Sciences
Classification: Uncertain significance for BDNF-related condition. Last evaluated: 2025-12-30. Review status: criteria provided, single submitter. Criteria: ACMG Guidelines, 2015. Collection method: clinical testing. Allele origin: germline.
Comment: The BDNF c.325C>T variant is predicted to result in premature protein termination (p.Arg109*). To our knowledge, this variant has not been reported in the literature or in a large population database (gnomAD), indicating this variant is rare. To date, few chain-terminating variants have been reported in this gene in association with disease. At this time, the clinical significance of this variant is uncertain due to the absence of conclusive functional and genetic evidence.

NM_001709.5(BDNF):c.79C>T (p.Arg27Ter)

Genes: BDNF (brain derived neurotrophic factor; minus strand), BDNF-AS (BDNF antisense RNA; plus strand). Cytogenetic location: 11p14.1.
Variant type: single nucleotide variant.
Coding change: c.79C>T on transcript NM_001709.5 (MANE Select); coding-DNA position 79, C replaced by T.
Protein change: p.Arg27Ter; replaces arginine 27 with a stop codon.
Molecular consequence: nonsense.
Genome position (GRCh38, 1-based): chr11:27,658,486, G>A on the plus strand (C>T on the coding strand, the complement: BDNF is on the minus strand). VCF-style: chr11-27658486-G-A. GRCh37 (hg19) VCF-style: chr11-27680033-G-A.
Other names: c.79C>T, p.Arg27Ter (NM_001143805.1, NM_001143806.1, NM_001143807.2 and 9 more transcripts); c.166C>T, p.Arg56Ter (NM_001143809.2); c.325C>T, p.Arg109Ter (NM_001143810.2); c.103C>T, p.Arg35Ter (NM_170731.5); c.124C>T, p.Arg42Ter (NM_170734.4); short protein forms R35*, R109*, R27*, R42*, R56*.
Identifiers: ClinVar variation 4979783 (VCV004979783.1), dbSNP rs267602837.